The following is an entry in ClinVar:

NM_002016.2(FLG):c.9722del (p.Gly3241fs)

Genes: FLG (filaggrin; minus strand), FLG-AS1 (FLG antisense RNA 1; plus strand). Cytogenetic location: 1q21.3.
Variant type: Deletion.
Coding change: c.9722del on transcript NM_002016.2 (MANE Select); coding-DNA position 9722, one base deleted (G; older notation c.9722delG).
Protein change: p.Gly3241fs; shifts the reading frame from glycine 3241.
Molecular consequence: frameshift variant.
Genome position (GRCh38, 1-based): chr1:152,305,164, C deleted on the plus strand (G on the coding strand, the reverse complement: FLG is on the minus strand); the first of 2 consecutive C bases (chr1:152,305,164-152,305,165); deleting either gives the same sequence. VCF-style (leftmost placement, unchanged base first): chr1-152305163-TC-T. GRCh37 (hg19) VCF-style: chr1-152277639-TC-T.
Other names: c.9722delG (NM_002016.1); short protein forms G3241fs.
Identifiers: ClinVar variation 422934 (VCV000422934.2), dbSNP rs1064796105, ClinGen allele CA16616973.

ClinVar aggregate classification (germline): Pathogenic (1 of 4 stars; one submission).

Submission:

GeneDx
Classification: Pathogenic. Last evaluated: 2016-12-20. Review status: criteria provided, single submitter. Criteria: GeneDx Variant Classification (06012015). Collection method: clinical testing. Allele origin: germline. Affected: yes.
Comment: The c.9722delG variant in the FLG gene has not been reported previously as a pathogenic variant nor as a benign variant, to our knowledge. The c.9722delG variant causes a frameshift starting with codon Glycine 3241, changes this amino acid to an Aspartic acid residue, and creates a premature Stop codon at position 150 of the new reading frame, denoted p.Gly3241AspfsX150. This variant replaces the last 821 amino acids with 149 incorrect amino acids and is predicted to cause loss of normal protein function through protein truncation. The c.9722delG variant was not observed in approximately 6500 individuals of European and African American ancestry in the NHLBI Exome Sequencing Project, indicating it is not a common benign variant in these populations. Therefore, we interpret c.9722delG as a pathogenic variant.